The following is an entry in ClinVar:

ClinVar aggregate classification (germline): Pathogenic. Review status: criteria provided, multiple submitters, no conflicts (2 of 4 stars). 17 submissions from 17 submitters: Pathogenic (11). 6 of the submissions do not count toward it. Last evaluated 2026-07-16.

Conditions:
COL7A1-related disorder. Also called: COL7A1-related condition; COL7A1- related disorders.
Epidermolysis bullosa dystrophica. Also called: Dystrophic epidermolysis bullosa, Hallopeau-Siemens type (formerly); Dystrophic epidermolysis bullosa. Identifiers: Orphanet 303, MedGen C0079294, MONDO:0006543.
Recessive dystrophic epidermolysis bullosa (RDEB). Also called: severe generalized recessive dystrophic epidermolysis bullosa; EPIDERMOLYSIS BULLOSA DYSTROPHICA, GENERALIZED SEVERE, AUTOSOMAL RECESSIVE; DYSTROPHIC EPIDERMOLYSIS BULLOSA, AUTOSOMAL RECESSIVE; Recessive DEB (RDEB); Epidermolysis Bullosa Distrophica Autosomal Recessive (RDEB); EPIDERMOLYSIS BULLOSA DYSTROPHICA, HALLOPEAU-SIEMENS TYPE. Identifiers: Orphanet 79408, Orphanet 79409, MedGen C0079474, MONDO:0009179, OMIM 226600.
Generalized dominant dystrophic epidermolysis bullosa (DDEB). Also called: Dominant DEB (DDEB); DDEB, generalized; DDEB-gen; DYSTROPHIC EPIDERMOLYSIS BULLOSA, AUTOSOMAL DOMINANT; Epidermolysis bullosa dystrophica, autosomal dominant. Identifiers: Orphanet 231568, MedGen C0432322, MONDO:0007549, OMIM 131750.
Pretibial dystrophic epidermolysis bullosa. Also called: EPIDERMOLYSIS BULLOSA DYSTROPHICA, PRETIBIAL; Pretibial blistering; Pretibial epidermolysis bullosa. Identifiers: Orphanet 79410, MedGen C0432321, MONDO:0007552, OMIM 131850, HP:0012221.

Allele frequency attached by ClinVar (database versions not stated): gnomAD exomes below 0.00001.
gnomAD v4.1: 1 of 1,611,056 alleles (0.000062%); highest among the groups gnomAD compares: Non-Finnish European, 0.000085%; no homozygotes.

Submissions 1 to 9 of 17:

Institute of Medical Genetics and Applied Genomics, University Hospital Tübingen
Classification: Pathogenic for Generalized dominant dystrophic epidermolysis bullosa. Last evaluated: 2026-07-16. Review status: criteria provided, single submitter. Criteria: ACMG Guidelines, 2015. Collection method: clinical testing. Allele origin: germline. Inheritance: Autosomal dominant inheritance. Affected: yes.

Labcorp Genetics (formerly Invitae), Labcorp
Classification: Pathogenic. Last evaluated: 2026-01-17. Review status: criteria provided, single submitter. Criteria: Invitae Variant Classification Sherloc (09022015). Collection method: clinical testing. Allele origin: germline.
Comment: This sequence change replaces glycine, which is neutral and non-polar, with arginine, which is basic and polar, at codon 2043 of the COL7A1 protein (p.Gly2043Arg). This variant is not present in population databases (gnomAD no frequency). This missense change has been observed in individual(s) with autosomal dominant dystrophic epidermolysis bullosa (PMID: 7861014). It has also been observed to segregate with disease in related individuals. ClinVar contains an entry for this variant (Variation ID: 17438). Invitae Evidence Modeling of protein sequence and biophysical properties (such as structural, functional, and spatial information, amino acid conservation, physicochemical variation, residue mobility, and thermodynamic stability) indicates that this missense variant is expected to disrupt COL7A1 protein function with a positive predictive value of 95%. This variant disrupts the triple helix domain of COL7A1. Glycine residues within the Gly-Xaa-Yaa repeats of the triple helix domain are required for the structure and stability of fibrillar collagens (PMID: 7695699, 8218237, 19344236), and variants at these glycine residues in COL7A1 are more frequently observed in individuals with disease than in the general population (PMID: 22058051). However, the clinical significance of this observation remains uncertain since only a limited number of affected individuals have been described to date. For these reasons, this variant has been classified as Pathogenic.

PreventionGenetics, part of Exact Sciences
Classification: Pathogenic for COL7A1-related condition. Last evaluated: 2025-11-24. Review status: criteria provided, single submitter. Criteria: ACMG Guidelines, 2015. Collection method: clinical testing. Allele origin: germline.
Comment: The COL7A1 c.6127G>A variant is predicted to result in the amino acid substitution p.Gly2043Arg. This variant has been previously reported in the heterozygous state in affected members of a family with autosomal dominant dystrophic epidermolysis bullosa (Christiano et al. 1995. PubMed ID: 7861014). It has also been reported as a recurrent de novo or inherited variant in many individuals with autosomal dominant dystrophic epidermolysis bullosa (Mellerio et al. 1998. PubMed ID: 9892921; Rouan et al. 1998. PubMed ID: 9856843; Wessagowit et al. 2001. PubMed ID: 11260189; Table S1, Almaani et al. 2011. PubMed ID: 21448560; Nishie et al. 2014. PubMed ID: 24794830; Supplementary Table S1, Vahidnezhad et al. 2017. PubMed ID: 28830826; Yenamandra et al. 2018. PubMed ID: 29963685; Nanda et al. 2018. PubMed ID: 30011071; Table S3, Chen et al. 2020. PubMed ID: 32484238). Furthermore, this variant resides in exon 73 and results in a glycine residue substitution. Glycine substitution variants in the triple helical domain (Gly-X-Y; especially in exons 73, 74, and 75) are predominant in autosomal dominant dystrophic epidermolysis bullosa (DDEB). This variant has not been reported in a large population database (gnomAD), indicating this variant is rare. This variant is interpreted as pathogenic.

Blueprint Genetics
Classification: Pathogenic for COL7A1-related disorders. Last evaluated: 2024-02-12. Review status: criteria provided, single submitter. Criteria: ACMG Guidelines, 2015. Collection method: clinical testing. Allele origin: germline. Affected: yes. Observed: 5 variant alleles.

Center for Research in Genodermatoses and Epidermolysis Bullosa, University of Buenos Aires
Classification: Pathogenic for Generalized dominant dystrophic epidermolysis bullosa. Last evaluated: 2022-03-14. Review status: criteria provided, single submitter. Criteria: ACMG Guidelines, 2015. Collection method: clinical testing. Allele origin: germline. Affected: yes. Observed: 14 variant alleles, 14 heterozygotes.

GeneDx
Classification: Pathogenic. Last evaluated: 2021-08-05. Review status: criteria provided, single submitter. Criteria: GeneDx Variant Classification Process June 2021. Collection method: clinical testing. Allele origin: germline. Affected: yes.
Comment: One of the most common recurrent pathogenic variants identified in DDEB patients across all ethnic backgrounds (Nanda et al., 2018; Yenamandra et al., 2018; Chen et al., 2020); Published functional studies demonstrate a damaging effect, as G2043R induces intracytoplasmic accumulation of pro-C7, which hampers secretion of C7 in a dominant-negative fashion (Nishie et al., 2014); Located in the highly conserved Gly-X-Y repeat of the collagenous domain; Glycine substitution variants in this region of the COLVII protein destabilize the collagen triple helix resulting in skin fragility due to poor anchoring of the basement membrane to the underlying dermis (Pfendner and Lucky, 2018); Not observed in large population cohorts (Lek et al., 2016); In silico analysis supports that this missense variant has a deleterious effect on protein structure/function; This variant is associated with the following publications: (PMID: 24794830, 7861014, 28830826, 21448560, 9892921, 11260189, 9856843, 10951471, 32946877, 32506551, 31604626, 30011071, 29963685, 32484238, 9412818, 33274474)

Women's Health and Genetics/Laboratory Corporation of America, LabCorp
Classification: Pathogenic for Pretibial epidermolysis bullosa. Last evaluated: 2019-09-04. Review status: criteria provided, single submitter. Criteria: LabCorp Variant Classification Summary - May 2015. Collection method: clinical testing. Allele origin: germline.
Comment: Variant summary: COL7A1 c.6127G>A (p.Gly2043Arg) results in a non-conservative amino acid change located in the Collagen triple helix repeat (IPR008160) of the encoded protein sequence. Five of five in-silico tools predict a damaging effect of the variant on protein function. The variant was absent in 243,072 control chromosomes (gnomAD). c.6127G>A has been reported in the literature in multiple individuals affected with Dominant Dystrophic Epidermolysis Bullosa (eg. Christiano_1995, Nishie_2014, Vahidnezhad_2017). These data indicate that the variant is very likely to be associated with disease. At least one publication reports experimental evidence evaluating an impact on protein function, suggesting that the variant results in accumulation of collagen VII in the cytoplasm and increased susceptibility to enzymatic degradation (Nishie_2014). One other clinical diagnostic laboratory has submitted a clinical-significance assessment for this variant to ClinVar (evaluation after 2014) and cited the variant as pathogenic. Based on the evidence outlined above, the variant was classified as pathogenic.

Institute of Human Genetics, University of Leipzig Medical Center
Classification: Pathogenic for Generalized dominant dystrophic epidermolysis bullosa. Last evaluated: 2019-03-26. Review status: criteria provided, single submitter. Criteria: ACMG Guidelines, 2015. Collection method: clinical testing. Allele origin: germline. Affected: yes. Observed: 1 variant allele.

Biomedical Innovation Departament, CIEMAT
Classification: Pathogenic for Dystrophic epidermolysis bullosa. Last evaluated: 2018-10-19. Review status: criteria provided, single submitter. Criteria: ACMG Guidelines, 2015. Collection method: research. Allele origin: de novo, germline. Affected: yes. Observed: 9 variant alleles.

NM_000094.4(COL7A1):c.6127G>A (p.Gly2043Arg)

Gene: COL7A1 (collagen type VII alpha 1 chain; minus strand). Cytogenetic location: 3p21.31.
Variant type: single nucleotide variant.
Coding change: c.6127G>A on transcript NM_000094.4 (MANE Select); coding-DNA position 6127, G replaced by A.
Protein change: p.Gly2043Arg; replaces glycine 2043 with arginine.
Molecular consequence: missense variant.
Genome position (GRCh38, 1-based): chr3:48,575,392, C>T on the plus strand (G>A on the coding strand, the complement: COL7A1 is on the minus strand). VCF-style: chr3-48575392-C-T. GRCh37 (hg19) VCF-style: chr3-48612825-C-T.
Other names: short protein forms G2043R.
Identifiers: ClinVar variation 17438 (VCV000017438.45), dbSNP rs121912836, ClinGen allele CA257944.
Genomic context (GRCh38, chr3:48,575,392, plus strand): 5'-GCCTCACCCTCTCTCCTGGCCTTCCTGCCTCTCCCACACCCCCAGCCCTGCCTGGGAGCC[C>T]GGGAATACCAGGCTTTCCAGGCTCCCCGGCAAGGCCGGAAGGCCCGGGGGGGCCCCTCTC-3'
Protein context (NP_000085.1, residues 2033-2053): AGEPGKPGIP[Gly2043Arg]LPGRAGGVGE